The following is an entry in ClinVar:

NM_006946.4(SPTBN2):c.2275A>T (p.Met759Leu)

Gene: SPTBN2 (spectrin beta, non-erythrocytic 2; minus strand). Cytogenetic location: 11q13.2.
Variant type: single nucleotide variant.
Coding change: c.2275A>T on transcript NM_006946.4 (MANE Select); coding-DNA position 2275, A replaced by T.
Protein change: p.Met759Leu; replaces methionine 759 with leucine.
Molecular consequence: missense variant.
Genome position (GRCh38, 1-based): chr11:66,705,001, T>A on the plus strand (A>T on the coding strand, the complement: SPTBN2 is on the minus strand). VCF-style: chr11-66705001-T-A. GRCh37 (hg19) VCF-style: chr11-66472472-T-A.
Other names: c.2296A>T, p.Met766Leu (NM_001411025.1); short protein forms M759L, M766L.
Identifiers: ClinVar variation 3772501 (VCV003772501.13).

ClinVar aggregate classification (germline): Uncertain significance (1 of 4 stars; one submission).

Submission:

CeGaT Center for Human Genetics Tuebingen
Classification: Uncertain significance. Last evaluated: 2025-02-01. Review status: criteria provided, single submitter. Criteria: CeGaT Center For Human Genetics Tuebingen Variant Classification Criteria Version 2. Collection method: clinical testing. Allele origin: germline. Affected: yes. Observed: 1 variant allele.
Comment: SPTBN2: PM2